The following is an entry in ClinVar:

ClinVar aggregate classification (germline): Benign/Likely benign. Review status: criteria provided, multiple submitters, no conflicts (2 of 4 stars). 4 submissions from 4 submitters: Benign (2); Likely benign (2). Last evaluated 2025-12-14.

Conditions:
Brugada syndrome. Also called: Sudden unexplained nocturnal death syndrome; Sudden Unexplained Death Syndrome; Sudden Unexplained Nocturnal Death Syndrome (SUNDS); Sudden unexpected nocturnal death syndrome. Identifiers: Orphanet 130, MedGen C1142166, MONDO:0015263.

Allele frequency attached by ClinVar (database versions not stated): gnomAD 0.00023; gnomAD exomes 0.00032 and 0.00080; ExAC 0.00099; 1000 Genomes Project 0.00260; 1000 Genomes Project 30x 0.00281.
gnomAD v4.1: 527 of 1,614,144 alleles (0.033%); highest among the groups gnomAD compares: South Asian, 0.53%; 2 homozygotes.

Submissions (4):

Labcorp Genetics (formerly Invitae), Labcorp
Classification: Benign for Brugada syndrome. Last evaluated: 2025-12-14. Review status: criteria provided, single submitter. Criteria: Invitae Variant Classification Sherloc (09022015). Collection method: clinical testing. Allele origin: germline.

Women's Health and Genetics/Laboratory Corporation of America, LabCorp
Classification: Benign. Last evaluated: 2025-05-15. Review status: criteria provided, single submitter. Criteria: LabCorp Variant Classification Summary - May 2015. Collection method: clinical testing. Allele origin: germline.

CeGaT Center for Human Genetics Tuebingen
Classification: Likely benign. Last evaluated: 2024-11-01. Review status: criteria provided, single submitter. Criteria: CeGaT Center For Human Genetics Tuebingen Variant Classification Criteria Version 2. Collection method: clinical testing. Allele origin: germline. Affected: yes. Observed: 1 variant allele.
Comment: SLMAP: BP4, BS2

Ambry Genetics
Classification: Likely benign. Last evaluated: 2022-04-25. Review status: criteria provided, single submitter. Criteria: Ambry Variant Classification Scheme 2023. Collection method: clinical testing. Allele origin: germline.

NM_001377540.1(SLMAP):c.1776T>C (p.Asp592=)

Gene: SLMAP (sarcolemma associated protein; plus strand). Cytogenetic location: 3p14.3.
Variant type: single nucleotide variant.
Coding change: c.1776T>C on transcript NM_001377540.1 (MANE Select); coding-DNA position 1776, T replaced by C.
Protein change: p.Asp592=; no amino-acid change (aspartic acid 592 retained).
Molecular consequence: synonymous variant. On other transcripts: non-coding transcript variant (1).
Genome position (GRCh38, 1-based): chr3:57,912,457, T>C. VCF-style: chr3-57912457-T-C. GRCh37 (hg19) VCF-style: chr3-57898184-T-C.
Other names: c.1725T>C, p.Asp575= (NM_001304420.3, NM_001377541.1, NM_001377542.1); c.1611T>C, p.Asp537= (NM_001304421.2, NM_001377557.1, NM_001377559.1); c.327T>C, p.Asp109= (NM_001304422.3, NM_001311178.2); c.129T>C, p.Asp43= (NM_001304423.3); c.204T>C, p.Asp68= (NM_001311179.2, NM_001377926.1, NM_001377927.1 and 1 more transcripts); c.1797T>C, p.Asp599= (NM_001377538.1); c.1776T>C, p.Asp592= (NM_001377539.1); c.1713T>C, p.Asp571= (NM_001377545.1); and 8 more.
Identifiers: ClinVar variation 1164290 (VCV001164290.23), dbSNP rs554868355, ClinGen allele CA2467239.
Genomic context (GRCh38, chr3:57,912,457, plus strand): 5'-ACACATCGATACTGAGAATCTCCGGGAGGAGAAGGACAGTGAAATCACAAGTACTAGAGA[T>C]GAATTGCTTAGTGCCCGAGATGAAATTTTGCTCCTTCATCAAGCAGCAGCAAAGGTTGCC-3'
Protein context (NP_001364469.1, residues 582-602): EKDSEITSTR[Asp592=]ELLSARDEIL